The following is an entry in ClinVar:

NM_001040108.2(MLH3):c.3020A>G (p.Asn1007Ser)

Gene: MLH3 (mutL homolog 3; minus strand). Cytogenetic location: 14q24.3.
Variant type: single nucleotide variant.
Coding change: c.3020A>G on transcript NM_001040108.2 (MANE Select); coding-DNA position 3020, A replaced by G.
Protein change: p.Asn1007Ser; replaces asparagine 1007 with serine.
Molecular consequence: missense variant.
Genome position (GRCh38, 1-based): chr14:75,046,636, T>C on the plus strand (A>G on the coding strand, the complement: MLH3 is on the minus strand). VCF-style: chr14-75046636-T-C. GRCh37 (hg19) VCF-style: chr14-75513339-T-C.
Other names: c.3020A>G, p.Asn1007Ser (NM_014381.3); short protein forms N1007S.
Identifiers: ClinVar variation 478032 (VCV000478032.20), dbSNP rs776639203, ClinGen allele CA7275602.

ClinVar aggregate classification (germline): Conflicting classifications of pathogenicity. Review status: criteria provided, conflicting classifications (1 of 4 stars). 4 submissions from 4 submitters: Uncertain significance (1); Likely benign (3). Last evaluated 2025-12-22.

Conditions:
Colorectal cancer, hereditary nonpolyposis, type 7. Identifiers: Orphanet 144, MedGen C1858380, MONDO:0013725, OMIM 614385.

Allele frequency attached by ClinVar (database versions not stated): gnomAD 0.00001 and 0.00002; ExAC 0.00002; TOPMed 0.00002; gnomAD exomes 0.00003 and 0.00004.

Submissions (4):

Labcorp Genetics (formerly Invitae), Labcorp
Classification: Likely benign for Colorectal cancer, hereditary nonpolyposis, type 7. Last evaluated: 2025-12-22. Review status: criteria provided, single submitter. Criteria: Invitae Variant Classification Sherloc (09022015). Collection method: clinical testing. Allele origin: germline.

Blueprint Genetics
Classification: Likely benign. Last evaluated: 2024-10-09. Review status: criteria provided, single submitter. Criteria: ACMG Guidelines, 2015. Collection method: clinical testing. Allele origin: germline.

Ambry Genetics
Classification: Likely benign. Last evaluated: 2020-10-06. Review status: criteria provided, single submitter. Criteria: Ambry Variant Classification Scheme 2023. Collection method: clinical testing. Allele origin: germline.

Illumina Laboratory Services, Illumina
Classification: Uncertain significance for Colorectal cancer, hereditary nonpolyposis, type 7. Last evaluated: 2017-04-28. Review status: criteria provided, single submitter. Criteria: ICSL Variant Classification Criteria 13 December 2019. Collection method: clinical testing. Allele origin: germline.
Comment: This variant was observed as part of a predisposition screen in an ostensibly healthy population. A literature search was performed for the gene, cDNA change, and amino acid change (where applicable). Publications were found based on this search. However, the evidence from the literature, in combination with allele frequency data from public databases where available, was not sufficient to rule this variant in or out of causing disease. Therefore, this variant is classified as a variant of unknown significance.

Literature cited by the submitters: PubMed 11586295 (cited by Ambry Genetics and Illumina Laboratory Services, Illumina); PubMed 12800209 (cited by Ambry Genetics and Illumina Laboratory Services, Illumina); PubMed 19156873 (cited by Ambry Genetics and Illumina Laboratory Services, Illumina).